The following is an entry in ClinVar:

ClinVar aggregate classification (germline): Benign. Review status: criteria provided, multiple submitters, no conflicts (2 of 4 stars). 13 submissions from 12 submitters: Benign (10). 3 of the submissions do not count toward it. Last evaluated 2026-02-04.

Conditions:
Retinitis pigmentosa 80 (RP80). Identifiers: MedGen C4540439, MONDO:0054708, OMIM 617781.
Retinal dystrophy. Also called: Inherited retinal dystrophy. Identifiers: Orphanet 71862, MedGen C0854723, MeSH D058499, MONDO:0019118, HP:0000556.
Saldino-Mainzer syndrome (SRTD9). Also called: short-rib thoracic dysplasia 9 with or without polydactyly; CONORENAL SYNDROME; SHORT-RIB THORACIC DYSPLASIA 9 WITHOUT POLYDACTYLY; Renal dysplasia, retinal pigmentary dystrophy, cerebellar ataxia and skeletal dysplasia. Identifiers: Orphanet 140969, MedGen C1849437, MONDO:0009964, OMIM 266920.

Allele frequency attached by ClinVar (database versions not stated): gnomAD exomes 0.24873; ExAC 0.25633; TOPMed 0.29686; gnomAD 0.30133 and 0.30184; ESP Exome Variant Server 0.30743; 1000 Genomes Project 0.34744; 1000 Genomes Project 30x 0.34884.
gnomAD v4.1: 379,045 of 1,613,806 alleles (23%); highest among the groups gnomAD compares: African/African-American, 49%; 49,528 homozygotes.

Submissions (13):

Labcorp Genetics (formerly Invitae), Labcorp
Classification: Benign for Saldino-Mainzer syndrome. Last evaluated: 2026-02-04. Review status: criteria provided, single submitter. Criteria: Invitae Variant Classification Sherloc (09022015). Collection method: clinical testing. Allele origin: germline.

Women's Health and Genetics/Laboratory Corporation of America, LabCorp
Classification: Benign. Last evaluated: 2025-09-08. Review status: criteria provided, single submitter. Criteria: LabCorp Variant Classification Summary - May 2015. Collection method: clinical testing. Allele origin: germline.

Blueprint Genetics
Classification: Benign. Last evaluated: 2024-11-27. Review status: criteria provided, single submitter. Criteria: ACMG Guidelines, 2015. Collection method: clinical testing. Allele origin: germline.

Dept Of Ophthalmology, Nagoya University
Classification: Benign for Retinal dystrophy. Last evaluated: 2023-10-01. Review status: criteria provided, single submitter. Criteria: Submitter's publication. Collection method: research. Allele origin: germline. Affected: yes.

Mayo Clinic Laboratories, Mayo Clinic
Classification: Benign. Last evaluated: 2022-03-09. Review status: criteria provided, single submitter. Criteria: ACMG Guidelines, 2015. Collection method: clinical testing. Allele origin: germline. Observed: 33 variant alleles.

Genome-Nilou Lab
Classification: Benign for Retinitis pigmentosa 80. Last evaluated: 2021-07-14. Review status: criteria provided, single submitter. Criteria: ACMG Guidelines, 2015. Collection method: clinical testing. Allele origin: germline. Affected: no.

Genome-Nilou Lab
Classification: Benign for Saldino-Mainzer syndrome. Last evaluated: 2021-07-14. Review status: criteria provided, single submitter. Criteria: ACMG Guidelines, 2015. Collection method: clinical testing. Allele origin: germline. Affected: no.

Illumina Laboratory Services, Illumina
Classification: Benign for Saldino-Mainzer syndrome. Last evaluated: 2018-01-12. Review status: criteria provided, single submitter. Criteria: ICSL Variant Classification Criteria 13 December 2019. Collection method: clinical testing. Allele origin: germline.
Comment: This variant was observed in the ICSL laboratory as part of a predisposition screen in an ostensibly healthy population. It had not been previously curated by ICSL or reported in the Human Gene Mutation Database (HGMD: prior to June 1st, 2018), and was therefore a candidate for classification through an automated scoring system. Utilizing variant allele frequency, disease prevalence and penetrance estimates, and inheritance mode, an automated score was calculated to assess if this variant is too frequent to cause the disease. Based on the score and internal cut-off values, a variant classified as benign is not then subjected to further curation. The score for this variant resulted in a classification of benign for this disease.

GeneDx
Classification: Benign. Last evaluated: 2017-09-13. Review status: criteria provided, single submitter. Criteria: GeneDx Variant Classification (06012015). Collection method: clinical testing. Allele origin: germline. Affected: yes.
Comment: This variant is considered likely benign or benign based on one or more of the following criteria: it is a conservative change, it occurs at a poorly conserved position in the protein, it is predicted to be benign by multiple in silico algorithms, and/or has population frequency not consistent with disease.

Breakthrough Genomics
Classification: Benign. Review status: criteria provided, single submitter. Criteria: ACMG Guidelines, 2015. Collection method: not provided. Allele origin: germline. Inheritance: Autosomal recessive inheritance. Affected: yes.

Clinical Genetics DNA and cytogenetics Diagnostics Lab, Erasmus MC, Erasmus Medical Center
Classification: Benign. Review status: no assertion criteria provided. Collection method: clinical testing. Allele origin: germline. Affected: yes. Study: VKGL Data-share Consensus. Not counted in ClinVar's aggregate classification.

Genetic Services Laboratory, University of Chicago
Classification: Likely benign for AllHighlyPenetrant. Review status: no assertion criteria provided. Collection method: clinical testing. Allele origin: germline. Inheritance: Autosomal recessive inheritance. Not counted in ClinVar's aggregate classification.
Comment: Likely benign based on allele frequency in 1000 Genomes Project or ESP global frequency and its presence in a patient with a rare or unrelated disease phenotype. NOT Sanger confirmed.

Joint Genome Diagnostic Labs from Nijmegen and Maastricht, Radboudumc and MUMC+
Classification: Benign. Review status: no assertion criteria provided. Collection method: clinical testing. Allele origin: germline. Affected: yes. Study: VKGL Data-share Consensus. Not counted in ClinVar's aggregate classification.

NM_014714.4(IFT140):c.2253T>C (p.Pro751=)

Gene: IFT140 (intraflagellar transport 140; minus strand). Cytogenetic location: 16p13.3.
Variant type: single nucleotide variant.
Coding change: c.2253T>C on transcript NM_014714.4 (MANE Select); coding-DNA position 2253, T replaced by C.
Protein change: p.Pro751=; no amino-acid change (proline 751 retained).
Molecular consequence: synonymous variant.
Genome position (GRCh38, 1-based): chr16:1,558,081, A>G on the plus strand (T>C on the coding strand, the complement: IFT140 is on the minus strand). VCF-style: chr16-1558081-A-G. GRCh37 (hg19) VCF-style: chr16-1608082-A-G.
Other names: p.Pro751=.
Identifiers: ClinVar variation 129259 (VCV000129259.28), dbSNP rs2076436, ClinGen allele CA153143.